The following is an entry in ClinVar:

NM_001267550.2(TTN):c.21148C>T (p.Leu7050=)

Genes: TTN (titin; minus strand), LOC126806428 (BRD4-independent group 4 enhancer GRCh37_chr2:179588362-179589561; plus strand). Cytogenetic location: 2q31.2.
Variant type: single nucleotide variant.
Coding change: c.21148C>T on transcript NM_001267550.2 (MANE Select); coding-DNA position 21148, C replaced by T.
Protein change: p.Leu7050=; no amino-acid change (leucine 7050 retained).
Molecular consequence: synonymous variant. On other transcripts: intron variant (3).
Genome position (GRCh38, 1-based): chr2:178,724,111, G>A on the plus strand (C>T on the coding strand, the complement: TTN is on the minus strand). VCF-style: chr2-178724111-G-A. GRCh37 (hg19) VCF-style: chr2-179588838-G-A.
Other names: p.L6733L:CTG>TTG; c.20197C>T, p.Leu6733= (NM_001256850.1); c.17416C>T, p.Leu5806= (NM_133378.4); c.13282+13971C>T (NM_003319.4); c.13858+13971C>T (NM_133437.4); c.13657+13971C>T (NM_133432.3).
Identifiers: ClinVar variation 178244 (VCV000178244.101), dbSNP rs202089818, ClinGen allele CA295767.
Genomic context (GRCh38, chr2:178,724,111, plus strand): 5'-ATCCAGCTACTTTGCATTCCAAGATGCAAGAAGCACCTAACACCCCACCAGTATTTTTCA[G>A]TCTTCGTGTGAAAGAGGGAGGAACTGCTCGGTCTGTGTGAGGAAAGGTAAGAGACTCATC-3'
Protein context (NP_001254479.2, residues 7040-7060): RAVPPSFTRR[Leu7050=]KNTGGVLGAS

ClinVar aggregate classification (germline): Conflicting classifications of pathogenicity. Review status: criteria provided, conflicting classifications (1 of 4 stars). 17 submissions from 13 submitters: Uncertain significance (4); Benign (4); Likely benign (7). 2 of the submissions do not count toward it. Last evaluated 2026-07-01.

Conditions:
Dilated cardiomyopathy 1G (CMD1G). Identifiers: Orphanet 154, MedGen C1858763, MONDO:0011400, OMIM 604145.
Autosomal recessive limb-girdle muscular dystrophy type 2J (LGMDR10). Also called: MUSCULAR DYSTROPHY, LIMB-GIRDLE, AUTOSOMAL RECESSIVE 10; Limb-girdle muscular dystrophy, type 2J. Identifiers: Orphanet 140922, MedGen C1837342, MONDO:0012127, OMIM 608807.
Cardiomyopathy (CMYO). Also called: Cardiomyopathies. Identifiers: Orphanet 167848, MedGen C0878544, MONDO:0004994, HP:0001638. Inheritance: Various modes of inheritance.
Early-onset myopathy with fatal cardiomyopathy (CMYO5). Also called: CONGENITAL MYOPATHY 5 WITH CARDIOMYOPATHY; Salih Myopathy. Identifiers: Orphanet 289377, MedGen C2673677, MONDO:0012714, OMIM 611705. Disease mechanism: loss of function.
Myopathy, myofibrillar, 9, with early respiratory failure (MFM9). Also called: Hereditary myopathy with early respiratory failure; EDSTROM MYOPATHY; Myopathy, distal, with early respiratory failure, autosomal dominant; MYOPATHY, PROXIMAL, WITH EARLY RESPIRATORY MUSCLE INVOLVEMENT. Identifiers: Orphanet 178464, Orphanet 34521, MedGen C1863599, MONDO:0011362, OMIM 603689.
Tibial muscular dystrophy (TMD). Also called: Udd Distal Myopathy – Tibial Muscular Dystrophy; Tibial muscular dystrophy, tardive; UDD MYOPATHY. Identifiers: Orphanet 609, MedGen C1838244, MONDO:0010870, OMIM 600334.

Allele frequency attached by ClinVar (database versions not stated): gnomAD exomes 0.00036 and 0.00038; TOPMed 0.00038; ExAC 0.00035; gnomAD 0.00038 and 0.00039; ESP Exome Variant Server 0.00050.
gnomAD v4.1: 606 of 1,612,592 alleles (0.038%); highest among the groups gnomAD compares: Middle Eastern, 0.13%; 2 homozygotes.

Submissions (17):

CeGaT Center for Human Genetics Tuebingen
Classification: Likely benign. Last evaluated: 2026-07-01. Review status: criteria provided, single submitter. Criteria: CeGaT Center For Human Genetics Tuebingen Variant Classification Criteria Version 2. Collection method: clinical testing. Allele origin: germline. Affected: yes. Observed: 11 variant alleles.
Comment: TTN: BP4

Labcorp Genetics (formerly Invitae), Labcorp
Classification: Likely benign for Dilated cardiomyopathy 1G; Autosomal recessive limb-girdle muscular dystrophy type 2J. Last evaluated: 2026-01-27. Review status: criteria provided, single submitter. Criteria: Invitae Variant Classification Sherloc (09022015). Collection method: clinical testing. Allele origin: germline.

Women's Health and Genetics/Laboratory Corporation of America, LabCorp
Classification: Likely benign. Last evaluated: 2026-01-12. Review status: criteria provided, single submitter. Criteria: LabCorp Variant Classification Summary - May 2015. Collection method: clinical testing. Allele origin: germline.

Molecular Diagnostic Laboratory for Inherited Cardiovascular Disease, Montreal Heart Institute
Classification: Likely benign. Last evaluated: 2025-04-09. Review status: criteria provided, single submitter. Criteria: ACMG Guidelines, 2015. Collection method: clinical testing. Allele origin: germline. Affected: no.
Comment: BP6;BP7

Laboratory of Genetics, Children's Clinical University Hospital Latvia
Classification: Likely benign. Last evaluated: 2025-02-16. Review status: criteria provided, single submitter. Criteria: ACMG Guidelines, 2015. Collection method: clinical testing. Allele origin: germline. Affected: yes.

Blueprint Genetics
Classification: Likely benign. Last evaluated: 2024-10-25. Review status: criteria provided, single submitter. Criteria: ACMG Guidelines, 2015. Collection method: clinical testing. Allele origin: germline.

Illumina Laboratory Services, Illumina
Classification: Uncertain significance for Early-onset myopathy with fatal cardiomyopathy. Last evaluated: 2018-01-13. Review status: criteria provided, single submitter. Criteria: ICSL Variant Classification Criteria 13 December 2019. Collection method: clinical testing. Allele origin: germline.

Illumina Laboratory Services, Illumina
Classification: Benign for Myopathy, myofibrillar, 9, with early respiratory failure. Last evaluated: 2018-01-13. Review status: criteria provided, single submitter. Criteria: ICSL Variant Classification Criteria 13 December 2019. Collection method: clinical testing. Allele origin: germline.
Comment: This variant was observed in the ICSL laboratory as part of a predisposition screen in an ostensibly healthy population. It had not been previously curated by ICSL or reported in the Human Gene Mutation Database (HGMD: prior to June 1st, 2018), and was therefore a candidate for classification through an automated scoring system. Utilizing variant allele frequency, disease prevalence and penetrance estimates, and inheritance mode, an automated score was calculated to assess if this variant is too frequent to cause the disease. Based on the score and internal cut-off values, a variant classified as benign is not then subjected to further curation. The score for this variant resulted in a classification of benign for this disease.

Illumina Laboratory Services, Illumina
Classification: Uncertain significance for Dilated cardiomyopathy 1G. Last evaluated: 2018-01-13. Review status: criteria provided, single submitter. Criteria: ICSL Variant Classification Criteria 13 December 2019. Collection method: clinical testing. Allele origin: germline.

Illumina Laboratory Services, Illumina
Classification: Benign for Tibial muscular dystrophy. Last evaluated: 2018-01-13. Review status: criteria provided, single submitter. Criteria: ICSL Variant Classification Criteria 13 December 2019. Collection method: clinical testing. Allele origin: germline.
Comment: the same text as in the submission from Illumina Laboratory Services, Illumina above.

Illumina Laboratory Services, Illumina
Classification: Uncertain significance for Autosomal recessive limb-girdle muscular dystrophy type 2J. Last evaluated: 2018-01-13. Review status: criteria provided, single submitter. Criteria: ICSL Variant Classification Criteria 13 December 2019. Collection method: clinical testing. Allele origin: germline.

CHEO Genetics Diagnostic Laboratory, Children's Hospital of Eastern Ontario
Classification: Benign for Cardiomyopathy. Last evaluated: 2017-11-29. Review status: criteria provided, single submitter. Criteria: ACMG Guidelines, 2015. Collection method: clinical testing. Allele origin: germline.

Eurofins Ntd Llc (ga)
Classification: Uncertain significance. Last evaluated: 2016-05-02. Review status: criteria provided, single submitter. Criteria: EGL Classification Definitions 2015. Collection method: clinical testing. Allele origin: germline. Observed: 7 variant alleles, 7 heterozygotes.

GeneDx
Classification: Benign. Last evaluated: 2014-06-11. Review status: criteria provided, single submitter. Criteria: GeneDx Variant Classification (06012015). Collection method: clinical testing. Allele origin: germline. Affected: yes.
Comment: This variant is considered likely benign or benign based on one or more of the following criteria: it is a conservative change, it occurs at a poorly conserved position in the protein, it is predicted to be benign by multiple in silico algorithms, and/or has population frequency not consistent with disease.

Laboratory for Molecular Medicine, Mass General Brigham Personalized Medicine
Classification: Likely benign. Last evaluated: 2012-03-19. Review status: criteria provided, single submitter. Criteria: LMM Criteria. Collection method: clinical testing. Allele origin: germline. Observed: 1 variant allele.
Comment: Leu5806Leu in exon 70 of TTN: This variant is not expected to have clinical sign ificance because it does not alter an amino acid residue and is not located with in the splice consensus sequence. It has been identified in 0.1% (4/6626) of Eur opean American chromosomes from a broad population by the NHLBI Exome Sequencing Project. Leu5806Leu in exon 70 of TTN (alle le frequency = 0.1%, 4/6626) **

Clinical Genetics DNA and cytogenetics Diagnostics Lab, Erasmus MC, Erasmus Medical Center
Classification: Likely benign. Review status: no assertion criteria provided. Collection method: clinical testing. Allele origin: germline. Affected: yes. Study: VKGL Data-share Consensus. Not counted in ClinVar's aggregate classification.

Diagnostic Laboratory, Department of Genetics, University Medical Center Groningen
Classification: Likely benign. Review status: no assertion criteria provided. Collection method: clinical testing. Allele origin: germline. Affected: yes. Study: VKGL Data-share Consensus. Not counted in ClinVar's aggregate classification.